The following is an entry in ClinVar:

NM_006579.3(EBP):c.194C>T (p.Ser65Phe)

Gene: EBP (EBP cholestenol delta-isomerase; plus strand). Cytogenetic location: Xp11.23.
Variant type: single nucleotide variant.
Coding change: c.194C>T on transcript NM_006579.3 (MANE Select); coding-DNA position 194, C replaced by T.
Protein change: p.Ser65Phe; replaces serine 65 with phenylalanine.
Molecular consequence: missense variant.
Genome position (GRCh38, 1-based): chrX:48,523,965, C>T. VCF-style: chrX-48523965-C-T. GRCh37 (hg19) VCF-style: chrX-48382353-C-T.
Other names: short protein forms S65F.
Identifiers: ClinVar variation 2991199 (VCV002991199.3), dbSNP rs782294297, ClinGen allele CA10402988.
Genomic context (GRCh38, chrX:48,523,965, plus strand): 5'-CCACATGGCTGTTGTCAGGTCGTGCTGCGGTTGTCCCATTGGGGACTTGGCGGCGACTGT[C>T]CCTGTGCTGGTTTGCAGTGTGTGGGTTCATTCACCTGGTGATCGAGGGCTGGTTCGTTCT-3'
Protein context (NP_006570.1, residues 55-75): VVPLGTWRRL[Ser65Phe]LCWFAVCGFI

ClinVar aggregate classification (germline): Uncertain significance (1 of 4 stars; one submission).

Allele frequency attached by ClinVar (database versions not stated): ExAC 0.00001.

Submission:

Labcorp Genetics (formerly Invitae), Labcorp
Classification: Uncertain significance. Last evaluated: 2023-03-31. Review status: criteria provided, single submitter. Criteria: Invitae Variant Classification Sherloc (09022015). Collection method: clinical testing. Allele origin: germline.
Comment: This variant is present in population databases (rs782294297, gnomAD 0.005%), including at least one homozygous and/or hemizygous individual. This variant has not been reported in the literature in individuals affected with EBP-related conditions. Advanced modeling of protein sequence and biophysical properties (such as structural, functional, and spatial information, amino acid conservation, physicochemical variation, residue mobility, and thermodynamic stability) performed at Invitae indicates that this missense variant is expected to disrupt EBP protein function. In summary, the available evidence is currently insufficient to determine the role of this variant in disease. Therefore, it has been classified as a Variant of Uncertain Significance. This sequence change replaces serine, which is neutral and polar, with phenylalanine, which is neutral and non-polar, at codon 65 of the EBP protein (p.Ser65Phe).